The following is an entry in ClinVar:

ClinVar aggregate classification (germline): Uncertain significance (1 of 4 stars; one submission).

Conditions:
EGFR-related lung cancer (EGFR). Identifiers: MedGen CN130014.

Submission:

Labcorp Genetics (formerly Invitae), Labcorp
Classification: Uncertain significance for EGFR-related lung cancer. Last evaluated: 2023-12-01. Review status: criteria provided, single submitter. Criteria: Invitae Variant Classification Sherloc (09022015). Collection method: clinical testing. Allele origin: germline.
Comment: This sequence change replaces asparagine, which is neutral and polar, with aspartic acid, which is acidic and polar, at codon 128 of the EGFR protein (p.Asn128Asp). This variant is not present in population databases (gnomAD no frequency). This variant has not been reported in the literature in individuals affected with EGFR-related conditions. Advanced modeling of protein sequence and biophysical properties (such as structural, functional, and spatial information, amino acid conservation, physicochemical variation, residue mobility, and thermodynamic stability) performed at Invitae indicates that this missense variant is not expected to disrupt EGFR protein function with a negative predictive value of 80%. In summary, the available evidence is currently insufficient to determine the role of this variant in disease. Therefore, it has been classified as a Variant of Uncertain Significance.

NM_005228.5(EGFR):c.382A>G (p.Asn128Asp)

Gene: EGFR (epidermal growth factor receptor; plus strand). Cytogenetic location: 7p11.2.
Variant type: single nucleotide variant.
Coding change: c.382A>G on transcript NM_005228.5 (MANE Select); coding-DNA position 382, A replaced by G.
Protein change: p.Asn128Asp; replaces asparagine 128 with aspartic acid.
Molecular consequence: missense variant. On other transcripts: intron variant (1).
Genome position (GRCh38, 1-based): chr7:55,143,446, A>G. VCF-style: chr7-55143446-A-G. GRCh37 (hg19) VCF-style: chr7-55211139-A-G.
Other names: c.382A>G, p.Asn128Asp (NM_001346897.2, NM_001346898.2, NM_001346899.2 and 3 more transcripts); c.223A>G, p.Asn75Asp (NM_001346900.2); c.89-12384A>G (NM_001346941.2); short protein forms N75D, N128D.
Identifiers: ClinVar variation 2820928 (VCV002820928.3), dbSNP rs2128927493, ClinGen allele CA367575925.
Genomic context (GRCh38, chr7:55,143,446, plus strand): 5'-AGAGGAAATATGTACTACGAAAATTCCTATGCCTTAGCAGTCTTATCTAACTATGATGCA[A>G]ATAAAACCGGACTGAAGGAGCTGCCCATGAGAAATTTACAGGGTGAGAGGCTGGGATGCC-3'
Protein context (NP_005219.2, residues 118-138): ALAVLSNYDA[Asn128Asp]KTGLKELPMR